The following is an entry in ClinVar:

NM_000553.6(WRN):c.742A>G (p.Ser248Gly)

Gene: WRN (WRN RecQ like helicase; plus strand). Cytogenetic location: 8p12.
Variant type: single nucleotide variant.
Coding change: c.742A>G on transcript NM_000553.6 (MANE Select); coding-DNA position 742, A replaced by G.
Protein change: p.Ser248Gly; replaces serine 248 with glycine.
Molecular consequence: missense variant.
Genome position (GRCh38, 1-based): chr8:31,076,190, A>G. VCF-style: chr8-31076190-A-G. GRCh37 (hg19) VCF-style: chr8-30933706-A-G.
Other names: short protein forms S248G.
Identifiers: ClinVar variation 404046 (VCV000404046.3), dbSNP rs1060500076, ClinGen allele CA16612418.

ClinVar aggregate classification (germline): Uncertain significance (1 of 4 stars; one submission).

Conditions:
Werner syndrome (WRN). Identifiers: Orphanet 902, MedGen C0043119, MONDO:0010196, OMIM 277700.

Allele frequency attached by ClinVar (database versions not stated): TOPMed below 0.00001; gnomAD 0.00001.
gnomAD v4.1: 1 of 1,613,710 alleles (0.000062%); highest among the groups gnomAD compares: East Asian, 0.0022%; no homozygotes.

Submission:

Labcorp Genetics (formerly Invitae), Labcorp
Classification: Uncertain significance for Werner syndrome. Last evaluated: 2023-12-22. Review status: criteria provided, single submitter. Criteria: Invitae Variant Classification Sherloc (09022015). Collection method: clinical testing. Allele origin: germline.
Comment: This sequence change replaces serine, which is neutral and polar, with glycine, which is neutral and non-polar, at codon 248 of the WRN protein (p.Ser248Gly). This variant is not present in population databases (gnomAD no frequency). This variant has not been reported in the literature in individuals affected with WRN-related conditions. ClinVar contains an entry for this variant (Variation ID: 404046). Algorithms developed to predict the effect of missense changes on protein structure and function output the following: SIFT: "Not Available"; PolyPhen-2: "Benign"; Align-GVGD: "Not Available". The glycine amino acid residue is found in multiple mammalian species, which suggests that this missense change does not adversely affect protein function. In summary, the available evidence is currently insufficient to determine the role of this variant in disease. Therefore, it has been classified as a Variant of Uncertain Significance.